The following is an entry in ClinVar:

ClinVar aggregate classification (germline): Likely pathogenic (1 of 4 stars; one submission).

Conditions:
Catecholaminergic polymorphic ventricular tachycardia 1. Also called: VENTRICULAR TACHYCARDIA, CATECHOLAMINERGIC POLYMORPHIC, 1, WITH OR WITHOUT ATRIAL DYSFUNCTION AND/OR DILATED CARDIOMYOPATHY; VENTRICULAR TACHYCARDIA, STRESS-INDUCED POLYMORPHIC 1; RYR2-Related Catecholaminergic Polymorphic Ventricular Tachycardia. Identifiers: Orphanet 3286, MedGen C1631597, MONDO:0011484, OMIM 604772.

Submission:

Labcorp Genetics (formerly Invitae), Labcorp
Classification: Likely pathogenic for Catecholaminergic polymorphic ventricular tachycardia 1. Last evaluated: 2024-04-03. Review status: criteria provided, single submitter. Criteria: Invitae Variant Classification Sherloc (09022015). Collection method: clinical testing. Allele origin: germline.
Comment: This sequence change replaces leucine, which is neutral and non-polar, with serine, which is neutral and polar, at codon 4593 of the RYR2 protein (p.Leu4593Ser). This variant is not present in population databases (gnomAD no frequency). This missense change has been observed in individual(s) with clinical features of autosomal dominant RYR2-related conditions (Invitae). It has also been observed to segregate with disease in related individuals. ClinVar contains an entry for this variant (Variation ID: 575682). Advanced modeling of protein sequence and biophysical properties (such as structural, functional, and spatial information, amino acid conservation, physicochemical variation, residue mobility, and thermodynamic stability) performed at Invitae indicates that this missense variant is expected to disrupt RYR2 protein function with a positive predictive value of 95%. In summary, the currently available evidence indicates that the variant is pathogenic, but additional data are needed to prove that conclusively. Therefore, this variant has been classified as Likely Pathogenic.

NM_001035.3(RYR2):c.13778T>C (p.Leu4593Ser)

Gene: RYR2 (ryanodine receptor 2; plus strand). Cytogenetic location: 1q43.
Variant type: single nucleotide variant.
Coding change: c.13778T>C on transcript NM_001035.3 (MANE Select); coding-DNA position 13778, T replaced by C.
Protein change: p.Leu4593Ser; replaces leucine 4593 with serine.
Molecular consequence: missense variant.
Genome position (GRCh38, 1-based): chr1:237,792,319, T>C. VCF-style: chr1-237792319-T-C. GRCh37 (hg19) VCF-style: chr1-237955619-T-C.
Other names: c.13778T>C, p.Leu4593Ser (LRG_402t1); short protein forms L4593S.
Identifiers: ClinVar variation 575682 (VCV000575682.13), dbSNP rs1558424746, ClinGen allele CA345417722.